The following is an entry in ClinVar:

ClinVar aggregate classification (germline): Uncertain significance. Review status: criteria provided, multiple submitters, no conflicts (2 of 4 stars). 2 submissions from 2 submitters: Uncertain significance (2). Last evaluated 2025-11-05.

Conditions:
Inborn genetic diseases. Identifiers: MedGen C0950123, MeSH D030342.

Allele frequency attached by ClinVar (database versions not stated): ExAC 0.00001; gnomAD exomes 0.00001.

Submissions (2):

Labcorp Genetics (formerly Invitae), Labcorp
Classification: Uncertain significance. Last evaluated: 2025-11-05. Review status: criteria provided, single submitter. Criteria: Invitae Variant Classification Sherloc (09022015). Collection method: clinical testing. Allele origin: germline.
Comment: This sequence change replaces aspartic acid, which is acidic and polar, with asparagine, which is neutral and polar, at codon 441 of the CDH2 protein (p.Asp441Asn). This variant is present in population databases (rs781246502, gnomAD 0.003%). This variant has not been reported in the literature in individuals affected with CDH2-related conditions. ClinVar contains an entry for this variant (Variation ID: 1769921). An algorithm developed to predict the effect of missense changes on protein structure and function (PolyPhen-2) suggests that this variant is likely to be disruptive. In summary, the available evidence is currently insufficient to determine the role of this variant in disease. Therefore, it has been classified as a Variant of Uncertain Significance.

Ambry Genetics
Classification: Uncertain significance for Inborn genetic diseases. Last evaluated: 2024-11-18. Review status: criteria provided, single submitter. Criteria: Ambry Variant Classification Scheme 2023. Collection method: clinical testing. Allele origin: germline.
Comment: The p.D441N variant (also known as c.1321G>A), located in coding exon 9 of the CDH2 gene, results from a G to A substitution at nucleotide position 1321. The aspartic acid at codon 441 is replaced by asparagine, an amino acid with highly similar properties. This amino acid position is conserved. In addition, this alteration is predicted to be tolerated by in silico analysis. Since supporting evidence is limited at this time, the clinical significance of this alteration remains unclear.

NM_001792.5(CDH2):c.1321G>A (p.Asp441Asn)

Gene: CDH2 (cadherin 2; minus strand). Cytogenetic location: 18q12.1.
Variant type: single nucleotide variant.
Coding change: c.1321G>A on transcript NM_001792.5 (MANE Select); coding-DNA position 1321, G replaced by A.
Protein change: p.Asp441Asn; replaces aspartic acid 441 with asparagine.
Molecular consequence: missense variant.
Genome position (GRCh38, 1-based): chr18:27,992,678, C>T on the plus strand (G>A on the coding strand, the complement: CDH2 is on the minus strand). VCF-style: chr18-27992678-C-T. GRCh37 (hg19) VCF-style: chr18-25572642-C-T.
Other names: c.1228G>A, p.Asp410Asn (NM_001308176.2); short protein forms D410N, D441N.
Identifiers: ClinVar variation 1769921 (VCV001769921.8), dbSNP rs781246502, ClinGen allele CA8923454.
Genomic context (GRCh38, chr18:27,992,678, plus strand): 5'-AGCTGTTGGAGAGATCAGTGGCCCGAGGAACACTTACTTTGACCACGGTGACTAACCCGT[C>T]GTTGCTGTTTGGGTCGGTCTGGATGGCGAACCGTCCAGTAGGATCTCCGCCACTGATTCT-3'
Protein context (NP_001783.2, residues 431-451): FAIQTDPNSN[Asp441Asn]GLVTVVKPID